The following is an entry in ClinVar:

ClinVar aggregate classification (germline): Pathogenic (1 of 4 stars; one submission).

Conditions:
Pheochromocytoma/paraganglioma syndrome 4. Also called: SDHB-Related Hereditary Paraganglioma-Pheochromocytoma Syndrome (Paragangliomas 4); SDHB-Related Hereditary Paraganglioma-Pheochromocytoma Syndrome; CAROTID BODY TUMORS AND MULTIPLE EXTRAADRENAL PHEOCHROMOCYTOMAS; PARAGANGLIOMA, FAMILIAL MALIGNANT; PARAGANGLIOMAS, HEREDITARY EXTRAADRENAL; PHEOCHROMOCYTOMA, FAMILIAL EXTRAADRENAL. Identifiers: Orphanet 29072, MedGen C1861848, MONDO:0007273, OMIM 115310.
Pheochromocytoma. Also called: MAX-Related Hereditary Paraganglioma-Pheochromocytoma Syndrome. Identifiers: Orphanet 29072, MedGen C0031511, MONDO:0008233, OMIM 171300, HP:0002666.
Gastrointestinal stromal tumor. Also called: Gastrointestinal stromal tumor, somatic; Gastrointestinal stroma tumor. Identifiers: Orphanet 44890, MedGen C0238198, MeSH D046152, MONDO:0011719, OMIM 606764, HP:0100723.

Submission:

Labcorp Genetics (formerly Invitae), Labcorp
Classification: Pathogenic for Gastrointestinal stroma tumor; Paragangliomas 4; Pheochromocytoma. Last evaluated: 2018-10-10. Review status: criteria provided, single submitter. Criteria: Invitae Variant Classification Sherloc (09022015). Collection method: clinical testing. Allele origin: germline.
Comment: This variant is a gross deletion of the genomic region encompassing exon 8 of the SDHB gene. The 5' boundary is likely confined to intron 7. The 3' end of this event is unknown as it extends through the termination codon beyond the assayed region for this gene and may encompass additional genes. While this deletion is not anticipated to result in nonsense mediated decay, it is expected to create a truncated SDHB protein or disrupt mRNA translation. Other truncations (p.Ile263Tyrfs*12,Â¬â€ p.Ile263Serfs*13) that lie downstream of this deletionÂ¬â€ have been observed in individuals affected withÂ¬â€ paraganglioma, pheochromocytoma or renal cell carcinoma, andÂ¬â€ have been determined to be likely pathogenic (Invitae). This suggests that deletion of this region of the SDHB protein is causative of disease. For these reasons, this variant has been classified as Pathogenic.

NC_000001.11:g.(?_17018871)_(17018968_?)del

Genes: SDHB (succinate dehydrogenase complex iron sulfur subunit B; minus strand), LOC129929541 (ATAC-STARR-seq lymphoblastoid active region 276; plus strand). Cytogenetic location: 1p36.13.
Variant type: Deletion.
Identifiers: ClinVar variation 649062 (VCV000649062.1).